The following is an entry in ClinVar:

NM_001388453.1(QRICH2):c.3488G>A (p.Arg1163Gln)

Gene: QRICH2 (glutamine rich 2; minus strand). Cytogenetic location: 17q25.1.
Variant type: single nucleotide variant.
Coding change: c.3488G>A on transcript NM_001388453.1 (MANE Select); coding-DNA position 3488, G replaced by A.
Protein change: p.Arg1163Gln; replaces arginine 1163 with glutamine.
Molecular consequence: missense variant.
Genome position (GRCh38, 1-based): chr17:76,291,239, C>T on the plus strand (G>A on the coding strand, the complement: QRICH2 is on the minus strand). VCF-style: chr17-76291239-C-T. GRCh37 (hg19) VCF-style: chr17-74287320-C-T.
Other names: c.3488G>A, p.Arg1163Gln (NM_032134.3); short protein forms R1163Q.
Identifiers: ClinVar variation 3056251 (VCV003056251.2), dbSNP rs75138404, ClinGen allele CA8783829.
Genomic context (GRCh38, chr17:76,291,239, plus strand): 5'-AGTGAATTGCGTCGCTCACTCAGGACTTCACTCGAGACTTCGCTCCCTTCTGATAAGACT[C>T]GGTCGACGGAGTCTGGACTCCTGAAAAGAGTGACATCTTGGCCTGGGGCCTTCTGGGCAG-3'
Protein context (NP_001375382.1, residues 1153-1173): TLFRSPDSVD[Arg1163Gln]VLSEGSEVSS

ClinVar aggregate classification (germline): Benign (0 of 4 stars; one submission).

Conditions:
QRICH2-related disorder. Also called: QRICH2-related condition.

Allele frequency attached by ClinVar (database versions not stated): gnomAD exomes 0.00495; ExAC 0.01561; gnomAD 0.04938; 1000 Genomes Project 0.05272; 1000 Genomes Project 30x 0.05497; TOPMed 0.05570; ESP Exome Variant Server 0.05759.
gnomAD v4.1: 15,068 of 1,614,142 alleles (0.93%); highest among the groups gnomAD compares: African/African-American, 17%; 1,176 homozygotes.

Submission:

PreventionGenetics, part of Exact Sciences
Classification: Benign for QRICH2-related condition. Last evaluated: 2019-09-17. Review status: no assertion criteria provided. Collection method: clinical testing. Allele origin: germline.
Comment: This variant is classified as benign based on ACMG/AMP sequence variant interpretation guidelines (Richards et al. 2015 PMID: 25741868, with internal and published modifications).